The following is an entry in ClinVar:

NM_016356.5(DCDC2):c.728C>G (p.Pro243Arg)

Gene: DCDC2 (doublecortin domain containing 2; minus strand). Cytogenetic location: 6p22.3.
Variant type: single nucleotide variant.
Coding change: c.728C>G on transcript NM_016356.5 (MANE Select); coding-DNA position 728, C replaced by G.
Protein change: p.Pro243Arg; replaces proline 243 with arginine.
Molecular consequence: missense variant.
Genome position (GRCh38, 1-based): chr6:24,288,883, G>C on the plus strand (C>G on the coding strand, the complement: DCDC2 is on the minus strand). VCF-style: chr6-24288883-G-C. GRCh37 (hg19) VCF-style: chr6-24289111-G-C.
Other names: c.728C>G, p.Pro243Arg (NM_001195610.2); short protein forms P243R.
Identifiers: ClinVar variation 942438 (VCV000942438.9), dbSNP rs948355469, ClinGen allele CA363279318.

ClinVar aggregate classification (germline): Uncertain significance (1 of 4 stars; one submission).

Conditions:
Autosomal recessive nonsyndromic hearing loss 66 (DFNB66). Also called: Deafness, autosomal recessive 66. Identifiers: Orphanet 90636, MedGen C1857750, MONDO:0012442, OMIM 610212.
Isolated neonatal sclerosing cholangitis (NSC). Also called: Sclerosing cholangitis, neonatal. Identifiers: Orphanet 480556, MedGen C4479344, MONDO:0018816, OMIM 617394.

Submission:

Labcorp Genetics (formerly Invitae), Labcorp
Classification: Uncertain significance for Autosomal recessive nonsyndromic hearing loss 66; Isolated neonatal sclerosing cholangitis. Last evaluated: 2023-03-23. Review status: criteria provided, single submitter. Criteria: Invitae Variant Classification Sherloc (09022015). Collection method: clinical testing. Allele origin: germline.
Comment: This sequence change replaces proline, which is neutral and non-polar, with arginine, which is basic and polar, at codon 243 of the DCDC2 protein (p.Pro243Arg). This variant is not present in population databases (gnomAD no frequency). This variant has not been reported in the literature in individuals affected with DCDC2-related conditions. ClinVar contains an entry for this variant (Variation ID: 942438). Advanced modeling of protein sequence and biophysical properties (such as structural, functional, and spatial information, amino acid conservation, physicochemical variation, residue mobility, and thermodynamic stability) performed at Invitae indicates that this missense variant is not expected to disrupt DCDC2 protein function. In summary, the available evidence is currently insufficient to determine the role of this variant in disease. Therefore, it has been classified as a Variant of Uncertain Significance.